The following is an entry in ClinVar:

ClinVar aggregate classification (germline): Uncertain significance (1 of 4 stars; one submission).

Submission:

Labcorp Genetics (formerly Invitae), Labcorp
Classification: Uncertain significance. Last evaluated: 2025-09-01. Review status: criteria provided, single submitter. Criteria: Invitae Variant Classification Sherloc (09022015). Collection method: clinical testing. Allele origin: germline.
Comment: This sequence change replaces leucine, which is neutral and non-polar, with glutamine, which is neutral and polar, at codon 476 of the GALNT12 protein (p.Leu476Gln). This variant is not present in population databases (gnomAD no frequency). This variant has not been reported in the literature in individuals affected with GALNT12-related conditions. Invitae Evidence Modeling of protein sequence and biophysical properties (such as structural, functional, and spatial information, amino acid conservation, physicochemical variation, residue mobility, and thermodynamic stability) indicates that this missense variant is not expected to disrupt GALNT12 protein function with a negative predictive value of 80%. In summary, the available evidence is currently insufficient to determine the role of this variant in disease. Therefore, it has been classified as a Variant of Uncertain Significance.

NM_024642.5(GALNT12):c.1427T>A (p.Leu476Gln)

Gene: GALNT12 (polypeptide N-acetylgalactosaminyltransferase 12; plus strand). Cytogenetic location: 9q22.33.
Variant type: single nucleotide variant.
Coding change: c.1427T>A on transcript NM_024642.5 (MANE Select); coding-DNA position 1427, T replaced by A.
Protein change: p.Leu476Gln; replaces leucine 476 with glutamine.
Molecular consequence: missense variant.
Genome position (GRCh38, 1-based): chr9:98,844,178, T>A. VCF-style: chr9-98844178-T-A. GRCh37 (hg19) VCF-style: chr9-101606460-T-A.
Other names: short protein forms L476Q.
Identifiers: ClinVar variation 4696101 (VCV004696101.1).